The following is an entry in ClinVar:

NM_016599.5(MYOZ2):c.688C>T (p.Arg230Trp)

Gene: MYOZ2 (myozenin 2; plus strand). Cytogenetic location: 4q26.
Variant type: single nucleotide variant.
Coding change: c.688C>T on transcript NM_016599.5 (MANE Select); coding-DNA position 688, C replaced by T.
Protein change: p.Arg230Trp; replaces arginine 230 with tryptophan.
Molecular consequence: missense variant.
Genome position (GRCh38, 1-based): chr4:119,186,093, C>T. VCF-style: chr4-119186093-C-T. GRCh37 (hg19) VCF-style: chr4-120107248-C-T.
Other names: p.R230W:CGG>TGG; short protein forms R230W.
Identifiers: ClinVar variation 178092 (VCV000178092.21), dbSNP rs372215131, ClinGen allele CA295694.

ClinVar aggregate classification (germline): Conflicting classifications of pathogenicity. Review status: criteria provided, conflicting classifications (1 of 4 stars). 9 submissions from 9 submitters: Uncertain significance (2); Likely benign (4). 3 of the submissions do not count toward it. Last evaluated 2025-12-03.

Conditions:
MYOZ2-related disorder. Also called: MYOZ2-related condition.
Cardiovascular phenotype. Identifiers: MedGen CN230736.
Cardiomyopathy (CMYO). Also called: Cardiomyopathies. Identifiers: Orphanet 167848, MedGen C0878544, MONDO:0004994, HP:0001638. Inheritance: Various modes of inheritance.
Hypertrophic cardiomyopathy. Also called: HYPERTROPHIC MYOCARDIOPATHY. Identifiers: Orphanet 217569, MedGen C0007194, MeSH D002312, MONDO:0005045, HP:0001639.

Allele frequency attached by ClinVar (database versions not stated): ESP Exome Variant Server 0.00015; 1000 Genomes Project 30x 0.00016; 1000 Genomes Project 0.00020; TOPMed 0.00031.

Submissions (9):

Labcorp Genetics (formerly Invitae), Labcorp
Classification: Likely benign for Hypertrophic cardiomyopathy. Last evaluated: 2025-12-03. Review status: criteria provided, single submitter. Criteria: Invitae Variant Classification Sherloc (09022015). Collection method: clinical testing. Allele origin: germline.

PreventionGenetics, part of Exact Sciences
Classification: Likely benign for MYOZ2-related condition. Last evaluated: 2025-03-06. Review status: criteria provided, single submitter. Criteria: ACMG Guidelines, 2015. Collection method: clinical testing. Allele origin: germline.
Comment: This variant is classified as likely benign based on ACMG/AMP sequence variant interpretation guidelines (Richards et al. 2015 PMID: 25741868, with internal and published modifications).

GeneDx
Classification: Likely benign. Last evaluated: 2021-01-20. Review status: criteria provided, single submitter. Criteria: GeneDx Variant Classification Process June 2021. Collection method: clinical testing. Allele origin: germline. Affected: yes.
Comment: Reported in ClinVar as a variant of uncertain significance (ClinVar Variant ID# 178092; Landrum et al., 2016); In silico analysis, which includes protein predictors and evolutionary conservation, supports a deleterious effect; This variant is associated with the following publications: (PMID: 31565860)

Ambry Genetics
Classification: Likely benign for Cardiovascular phenotype. Last evaluated: 2020-11-04. Review status: criteria provided, single submitter. Criteria: Ambry Variant Classification Scheme 2023. Collection method: clinical testing. Allele origin: germline.

CHEO Genetics Diagnostic Laboratory, Children's Hospital of Eastern Ontario
Classification: Uncertain significance for Cardiomyopathy. Last evaluated: 2017-11-01. Review status: criteria provided, single submitter. Criteria: ACMG Guidelines, 2015. Collection method: clinical testing. Allele origin: germline.

Laboratory for Molecular Medicine, Mass General Brigham Personalized Medicine
Classification: Uncertain significance. Last evaluated: 2014-10-07. Review status: criteria provided, single submitter. Criteria: LMM Criteria. Collection method: clinical testing. Allele origin: germline. Observed: 1 variant allele.
Comment: The p.Arg230Trp variant in MYOZ2 has not been previously reported in individuals with cardiomyopathy, but has been identified in 1/8600 of European American chr omosomes by the NHLBI Exome Sequencing Project (dbSNP rs372215131). Computational prediction tools and conservation analysi s do not provide strong support for or against an impact to the protein. Varia nts in MYOZ2 are associated with HCM (Osio 2007), though their role in other car diomyopathies remains unclear. In summary, the clinical significance of the Arg 230Trp variant is uncertain.

Clinical Genetics DNA and cytogenetics Diagnostics Lab, Erasmus MC, Erasmus Medical Center
Classification: Likely benign. Review status: no assertion criteria provided. Collection method: clinical testing. Allele origin: germline. Affected: yes. Study: VKGL Data-share Consensus. Not counted in ClinVar's aggregate classification.

Clinical Genetics, Academic Medical Center
Classification: Likely benign. Review status: no assertion criteria provided. Collection method: clinical testing. Allele origin: germline. Affected: yes. Study: VKGL Data-share Consensus. Not counted in ClinVar's aggregate classification.

Genome Diagnostics Laboratory, University Medical Center Utrecht
Classification: Likely benign. Review status: no assertion criteria provided. Collection method: clinical testing. Allele origin: germline. Affected: yes. Study: VKGL Data-share Consensus. Not counted in ClinVar's aggregate classification.